The following is an entry in ClinVar:

NM_170707.4(LMNA):c.1819del (p.Val607fs)

Gene: LMNA (lamin A/C; plus strand). Cytogenetic location: 1q22.
Variant type: Deletion.
Coding change: c.1819del on transcript NM_170707.4 (MANE Select); coding-DNA position 1819, one base deleted (G; older notation c.1819delG).
Protein change: p.Val607fs; shifts the reading frame from valine 607.
Molecular consequence: frameshift variant. On other transcripts: splice donor variant (1).
Genome position (GRCh38, 1-based): chr1:156,138,608, G deleted; the last of 2 consecutive G bases (chr1:156,138,607-156,138,608); deleting either gives the same sequence. VCF-style (leftmost placement, unchanged base first): chr1-156138606-AG-A. GRCh37 (hg19) VCF-style: chr1-156108397-AG-A.
Other names: c.1483del, p.Val495fs (NM_001257374.3, NM_001406989.1); c.1819del, p.Val607fs (NM_001406983.1, NM_001406985.1, NM_001406991.1); c.1576del, p.Val526fs (NM_001406986.1, NM_001406987.1); c.1522del, p.Val508fs (NM_001406988.1); c.1261del, p.Val421fs (NM_001406990.1, NM_001406993.1, NM_001406995.1 and 2 more transcripts); c.1195del, p.Val399fs (NM_001406994.1, NM_001406999.1, NM_001407000.1 and 1 more transcripts); c.1819delG, p.Val607Trpfs (NM_170707.2); c.1729del, p.Val577fs (NM_170708.4); and 1 more; short protein forms V607fs, V495fs, V577fs, V399fs, V421fs, V508fs, V526fs.
Identifiers: ClinVar variation 423384 (VCV000423384.11), dbSNP rs1064796394, ClinGen allele CA16617003.
Genomic context (GRCh38, chr1:156,138,606, plus strand): 5'-TGCTGTGCGGGACCTGCGGGCAGCCTGCCGACAAGGCATCTGCCAGCGGCTCAGGAGCCC[AG>A]GTGGGCGGACCCATCTCCTCTGGCTCTTCTGCCTCCAGTGTCACGGTCACTCGCAGCTAC-3'

ClinVar aggregate classification (germline): Conflicting classifications of pathogenicity. Review status: criteria provided, conflicting classifications (1 of 4 stars). 2 submissions from 2 submitters: Likely pathogenic (1); Uncertain significance (1). Last evaluated 2022-11-04.

Conditions:
Charcot-Marie-Tooth disease type 2. Also called: Charcot-Marie-Tooth type 2. Identifiers: Orphanet 64746, MedGen C0270914, MONDO:0018993.

Submissions (2):

Labcorp Genetics (formerly Invitae), Labcorp
Classification: Uncertain significance for Charcot-Marie-Tooth disease type 2. Last evaluated: 2022-11-04. Review status: criteria provided, single submitter. Criteria: Invitae Variant Classification Sherloc (09022015). Collection method: clinical testing. Allele origin: germline.
Comment: In summary, the available evidence is currently insufficient to determine the role of this variant in disease. Therefore, it has been classified as a Variant of Uncertain Significance. ClinVar contains an entry for this variant (Variation ID: 423384). Experimental studies and prediction algorithms are not available or were not evaluated, and the functional significance of this variant is currently unknown. Algorithms developed to predict the effect of sequence changes on RNA splicing suggest that this variant may disrupt the consensus splice site. This variant disrupts the C-terminus of the LMNA protein. Other variant(s) that disrupt this region (p.Arg654*) have been observed in individuals with LMNA-related conditions (PMID: 30012837). This suggests that this may be a clinically significant region of the protein. This sequence change results in a frameshift in the LMNA gene (p.Val607Trpfs*91). While this is not anticipated to result in nonsense mediated decay, it is expected to disrupt the last 58 amino acid(s) of the LMNA protein and extend the protein by 32 additional amino acid residues. This variant is not present in population databases (gnomAD no frequency). This variant has not been reported in the literature in individuals affected with LMNA-related conditions.

GeneDx
Classification: Likely pathogenic. Last evaluated: 2019-10-11. Review status: criteria provided, single submitter. Criteria: GeneDx Variant Classification Process June 2021. Collection method: clinical testing. Allele origin: germline. Affected: yes.
Comment: Has not been previously published as pathogenic or benign to our knowledge; Not observed in large population cohorts (Lek et al., 2016); Frameshift variant in the C-terminus predicted to result in protein truncation, as the last 58 amino acids are lost and replaced with 90 incorrect amino acids

Literature cited by the submitters: PubMed 30012837 (cited by Labcorp Genetics (formerly Invitae), Labcorp).